The following is an entry in ClinVar:

ClinVar aggregate classification (germline): Uncertain significance (1 of 4 stars; one submission).

gnomAD v4.1: 1 of 1,614,080 alleles (0.000062%); highest among the groups gnomAD compares: Non-Finnish European, 0.000085%; no homozygotes.

Submission:

Ambry Genetics
Classification: Uncertain significance. Last evaluated: 2025-09-17. Review status: criteria provided, single submitter. Criteria: Ambry Variant Classification Scheme 2023. Collection method: clinical testing. Allele origin: germline.
Comment: The p.E189K variant (also known as c.565G>A), located in coding exon 1 of the CDK12 gene, results from a G to A substitution at nucleotide position 565. The glutamic acid at codon 189 is replaced by lysine, an amino acid with similar properties. This amino acid position is conserved. In addition, this alteration is predicted to be tolerated by in silico analysis. Based on the available evidence, the clinical significance of this variant remains unclear.

NM_016507.4(CDK12):c.565G>A (p.Glu189Lys)

Genes: CDK12 (cyclin dependent kinase 12; plus strand), LOC126862553 (CDK7 strongly-dependent group 2 enhancer GRCh37_chr17:37618166-37619365; plus strand). Cytogenetic location: 17q12.
Variant type: single nucleotide variant.
Coding change: c.565G>A on transcript NM_016507.4 (MANE Select); coding-DNA position 565, G replaced by A.
Protein change: p.Glu189Lys; replaces glutamic acid 189 with lysine.
Molecular consequence: missense variant.
Genome position (GRCh38, 1-based): chr17:39,462,636, G>A. VCF-style: chr17-39462636-G-A. GRCh37 (hg19) VCF-style: chr17-37618889-G-A.
Other names: c.565G>A, p.Glu189Lys (NM_015083.4); short protein forms E189K.
Identifiers: ClinVar variation 4651312 (VCV004651312.1).